The following is an entry in ClinVar:

ClinVar aggregate classification (germline): Pathogenic. Review status: criteria provided, multiple submitters, no conflicts (2 of 4 stars). 7 submissions from 7 submitters: Pathogenic (4). 3 of the submissions do not count toward it. Last evaluated 2026-01-24.
ClinVar aggregate classification (somatic clinical impact): Tier I - Strong (1 of 4 stars; one submission).

Conditions:
Hereditary cancer-predisposing syndrome. Also called: Neoplastic Syndromes, Hereditary; Hereditary Cancer Syndrome; Tumor predisposition; Hereditary neoplastic syndrome. Identifiers: Orphanet 140162, MedGen C0027672, MeSH D009386, MONDO:0015356.
Chuvash polycythemia. Also called: POLYCYTHEMIA, VHL-DEPENDENT. Identifiers: Orphanet 238557, MedGen C1837915, MONDO:0009892, OMIM 263400.
Von Hippel-Lindau syndrome (VHLS). Also called: VHL syndrome; Von Hippel-Lindau; von Hippel–Lindau syndrome. Identifiers: Orphanet 892, MedGen C0019562, MONDO:0008667, OMIM 193300. Disease mechanism: loss of function.
Pheochromocytoma. Also called: MAX-Related Hereditary Paraganglioma-Pheochromocytoma Syndrome. Identifiers: Orphanet 29072, MedGen C0031511, MONDO:0008233, OMIM 171300, HP:0002666.

Allele frequency attached by ClinVar (database versions not stated): gnomAD exomes below 0.00001.
gnomAD v4.1: 1 of 1,600,856 alleles (0.000062%); no homozygotes.

Submissions (8):

Labcorp Genetics (formerly Invitae), Labcorp
Classification: Pathogenic for Von Hippel-Lindau syndrome; Chuvash polycythemia. Last evaluated: 2026-01-24. Review status: criteria provided, single submitter. Criteria: Invitae Variant Classification Sherloc (09022015). Collection method: clinical testing. Allele origin: germline.
Comment: This sequence change replaces glycine, which is neutral and non-polar, with serine, which is neutral and polar, at codon 93 of the VHL protein (p.Gly93Ser). This variant is not present in population databases (gnomAD no frequency). This missense change has been observed in individual(s) with von Hippel-Lindau (VHL) syndrome (PMID: 8707293, 9329368, 12000816, 17661816, 17922902). In at least one individual the variant was observed to be de novo. It has also been observed to segregate with disease in related individuals. This variant is also known as c.490G>A. ClinVar contains an entry for this variant (Variation ID: 2237). Invitae Evidence Modeling of protein sequence and biophysical properties (such as structural, functional, and spatial information, amino acid conservation, physicochemical variation, residue mobility, and thermodynamic stability) indicates that this missense variant is expected to disrupt VHL protein function with a positive predictive value of 95%. For these reasons, this variant has been classified as Pathogenic.

Institute for Genomic Medicine (IGM) Clinical Laboratory, Nationwide Children's Hospital
Classification: Tier I - Strong for Pheochromocytoma. Assertion type: diagnostic. Clinical significance: supports diagnosis. Last evaluated: 2025-04-07. Review status: criteria provided, single submitter. Criteria: AMP/ASCO/CAP Guidelines, 2017. Collection method: clinical testing. Allele origin: somatic. Affected: yes.
Comment: Variant has Tier I (strong) clinical significance as a diagnostic inclusion criterion in pheochromocytoma, based on the following evidence: 1) Documented in one or more cancer databases (e.g., St. Jude Pecan, COSMIC, CIViC, OncoKB). 2) Appears in one or more well-established professional guidelines (e.g., World Health Organization [WHO]; National Comprehensive Cancer Network [NCCN]) as providing diagnostic, prognostic, or therapeutic information (PMIDs: 21784903, 25545346, 28162975, 29413423, 33362715, 36854674). 3) Diagnostic for a specific tumor type/classification based on well-powered studies with expert-level consensus (Evidence Level B; PMIDs: 21784903, 25545346, 28162975, 29413423, 33362715, 36854674).

Athena Diagnostics
Classification: Pathogenic. Last evaluated: 2024-08-05. Review status: criteria provided, single submitter. Criteria: Athena Diagnostics Criteria. Collection method: clinical testing. Allele origin: unknown.
Comment: This variant has not been reported in large, multi-ethnic general populations. This variant has been identified in multiple unrelated individuals with VHLS and/or pheochromocytoma and has been reported to occur de novo in multiple individuals. This variant is also referred to as c.490G>A in published literature. Polyphen and MutationTaster predict this amino acid change may be damaging to the protein.

Ambry Genetics
Classification: Pathogenic for Hereditary cancer-predisposing syndrome. Last evaluated: 2022-03-05. Review status: criteria provided, single submitter. Criteria: Ambry Variant Classification Scheme 2023. Collection method: clinical testing. Allele origin: germline.
Comment: The p.G93S pathogenic mutation (also known as c.277G>A), located in coding exon 1 of the VHL gene, results from a G to A substitution at nucleotide position 277. The glycine at codon 93 is replaced by serine, an amino acid with similar properties. This alteration has been reported in families with Von Hippel-Lindau (VHL) with pheochromocytomas as well as in individuals with isolated pheochromocytomas (Zbar B et al. Hum Mutat. 1996;8(4):348-57; Neumann HP et al. N Engl J Med. 2002 May 9;346(19):1459-66). Of note, this alteration is also known as c.490G>A in published literature. This variant is considered to be rare based on population cohorts in the Genome Aggregation Database (gnomAD). This amino acid position is highly conserved in available vertebrate species. In addition, this alteration is predicted to be deleterious by in silico analysis. Based on the supporting evidence, this alteration is interpreted as a disease-causing mutation.

Baylor Genetics
Classification: Pathogenic for Chuvash polycythemia. Last evaluated: 2021-11-30. Review status: criteria provided, single submitter. Criteria: ACMG Guidelines, 2015. Collection method: clinical testing. Allele origin: unknown.

Clinical Genomics Labs, University Health Network
Classification: Pathogenic for Von Hippel-Lindau syndrome. Last evaluated: 2021-12-15. Review status: no assertion criteria provided. Criteria: ACMG Guidelines, 2015. Collection method: clinical testing. Allele origin: germline. Affected: yes. Not counted in ClinVar's aggregate classification.

Genomic Diagnostic Laboratory, Division of Genomic Diagnostics, Children's Hospital of Philadelphia
Classification: Pathogenic for Von Hippel-Lindau syndrome. Last evaluated: 2016-02-26. Review status: no assertion criteria provided. Collection method: clinical testing. Allele origin: germline. Affected: yes. Observed: 1 variant allele. Not counted in ClinVar's aggregate classification.

OMIM
Classification: Pathogenic for PHEOCHROMOCYTOMA. Last evaluated: 2002-05-09. Review status: no assertion criteria provided. Collection method: literature only. Allele origin: germline. Not counted in ClinVar's aggregate classification.

Literature cited by the submitters: PubMed 8707293 (cited by Labcorp Genetics (formerly Invitae), Labcorp and Athena Diagnostics); PubMed 9329368 (cited by Labcorp Genetics (formerly Invitae), Labcorp and Athena Diagnostics); PubMed 12000816 (cited by 3 submitters); PubMed 17661816 (cited by Labcorp Genetics (formerly Invitae), Labcorp and Athena Diagnostics); PubMed 17922902 (cited by Labcorp Genetics (formerly Invitae), Labcorp and Athena Diagnostics); PubMed 21784903 (cited by Institute for Genomic Medicine (IGM) Clinical Laboratory, Nationwide Children's Hospital); PubMed 25545346 (cited by Institute for Genomic Medicine (IGM) Clinical Laboratory, Nationwide Children's Hospital); PubMed 28162975 (cited by Institute for Genomic Medicine (IGM) Clinical Laboratory, Nationwide Children's Hospital); PubMed 29413423 (cited by Institute for Genomic Medicine (IGM) Clinical Laboratory, Nationwide Children's Hospital); PubMed 33362715 (cited by Institute for Genomic Medicine (IGM) Clinical Laboratory, Nationwide Children's Hospital); PubMed 36854674 (cited by Institute for Genomic Medicine (IGM) Clinical Laboratory, Nationwide Children's Hospital); PubMed 22136840 (cited by Athena Diagnostics); PubMed 33777662 (cited by Athena Diagnostics); PubMed 35008334 (cited by Athena Diagnostics); PubMed 8956040 (cited by Athena Diagnostics).

NM_000551.4(VHL):c.277G>A (p.Gly93Ser)

Gene: VHL (von Hippel-Lindau tumor suppressor; plus strand). Cytogenetic location: 3p25.3.
Variant type: single nucleotide variant.
Coding change: c.277G>A on transcript NM_000551.4 (MANE Select); coding-DNA position 277, G replaced by A.
Protein change: p.Gly93Ser; replaces glycine 93 with serine.
Molecular consequence: missense variant.
Genome position (GRCh38, 1-based): chr3:10,142,124, G>A. VCF-style: chr3-10142124-G-A. GRCh37 (hg19) VCF-style: chr3-10183808-G-A.
Other names: c.277G>A, p.Gly93Ser (NM_001354723.2, NM_198156.3); short protein forms G93S.
Identifiers: ClinVar variation 2237 (VCV000002237.15), dbSNP rs5030808, ClinGen allele CA020230.
Genomic context (GRCh38, chr3:10,142,124, plus strand): 5'-CAGGTCATCTTCTGCAATCGCAGTCCGCGCGTCGTGCTGCCCGTATGGCTCAACTTCGAC[G>A]GCGAGCCGCAGCCCTACCCAACGCTGCCGCCTGGCACGGGCCGCCGCATCCACAGCTACC-3'
Protein context (NP_000542.1, residues 83-103): VVLPVWLNFD[Gly93Ser]EPQPYPTLPP